The following is an entry in ClinVar:

NM_015662.3(IFT172):c.1513C>T (p.Arg505Trp)

Gene: IFT172 (intraflagellar transport 172; minus strand). Cytogenetic location: 2p23.3.
Variant type: single nucleotide variant.
Coding change: c.1513C>T on transcript NM_015662.3 (MANE Select); coding-DNA position 1513, C replaced by T.
Protein change: p.Arg505Trp; replaces arginine 505 with tryptophan.
Molecular consequence: missense variant.
Genome position (GRCh38, 1-based): chr2:27,472,261, G>A on the plus strand (C>T on the coding strand, the complement: IFT172 is on the minus strand). VCF-style: chr2-27472261-G-A. GRCh37 (hg19) VCF-style: chr2-27695128-G-A.
Other names: c.1513C>T (NM_015662.2, NM_015662.1); short protein forms R505W.
Identifiers: ClinVar variation 1413323 (VCV001413323.11), dbSNP rs779152335, ClinGen allele CA1580630.

ClinVar aggregate classification (germline): Conflicting classifications of pathogenicity. Review status: criteria provided, conflicting classifications (1 of 4 stars). 4 submissions from 4 submitters: Uncertain significance (3); Likely benign (1). Last evaluated 2026-08-21.

Conditions:
Short-rib thoracic dysplasia 10 with or without polydactyly (SRTD10). Identifiers: Orphanet 474, MedGen C3810175, MONDO:0014284, OMIM 615630.
Retinitis pigmentosa 71 (RP71). Identifiers: Orphanet 791, MedGen C4225342, MONDO:0014618, OMIM 616394.
Inborn genetic diseases. Identifiers: MedGen C0950123, MeSH D030342.
Bardet-Biedl syndrome 20. Identifiers: MedGen C4310707, MONDO:0023670, OMIM 619471, MONDO:0014926.
IFT172-related disorder. Also called: IFT172-related disorders; IFT172-related condition.

Allele frequency attached by ClinVar (database versions not stated): gnomAD 0.00003 and 0.00004; ExAC 0.00005; gnomAD exomes 0.00008.
gnomAD v4.1: 39 of 1,613,436 alleles (0.0024%); highest among the groups gnomAD compares: East Asian, 0.036%; no homozygotes.

Submissions (4):

PreventionGenetics, part of Exact Sciences
Classification: Uncertain significance for IFT172-related condition. Last evaluated: 2026-08-21. Review status: criteria provided, single submitter. Criteria: ACMG Guidelines, 2015. Collection method: clinical testing. Allele origin: germline.
Comment: The IFT172 c.1513C>T variant is predicted to result in the amino acid substitution p.Arg505Trp. This variant has been reported in the compound heterozygous state in a fetus with skeletal dysplasia (Case 24, Peng et al. 2021. PubMed ID: 34567078). This variant is reported in 0.085% of alleles in individuals of East Asian descent in gnomAD, including one homozygous individual, which may be too common to be causative. At this time, the clinical significance of this variant is uncertain due to the absence of conclusive functional and genetic evidence.

Labcorp Genetics (formerly Invitae), Labcorp
Classification: Likely benign for Retinitis pigmentosa 71; Short-rib thoracic dysplasia 10 with or without polydactyly. Last evaluated: 2025-07-31. Review status: criteria provided, single submitter. Criteria: Invitae Variant Classification Sherloc (09022015). Collection method: clinical testing. Allele origin: germline.

Ambry Genetics
Classification: Uncertain significance for Inborn genetic diseases. Last evaluated: 2024-12-13. Review status: criteria provided, single submitter. Criteria: Ambry Variant Classification Scheme 2023. Collection method: clinical testing. Allele origin: germline.

Fulgent Genetics
Classification: Uncertain significance for Short-rib thoracic dysplasia 10 with or without polydactyly; Retinitis pigmentosa 71; Bardet-Biedl syndrome 20. Last evaluated: 2024-06-13. Review status: criteria provided, single submitter. Criteria: ACMG Guidelines, 2015. Collection method: clinical testing. Allele origin: germline.